The following is an entry in ClinVar:

ClinVar aggregate classification (germline): Uncertain significance (1 of 4 stars; one submission).

gnomAD v4.1: 2 of 1,614,178 alleles (0.00012%); highest among the groups gnomAD compares: South Asian, 0.0022%; no homozygotes.

Submission:

Labcorp Genetics (formerly Invitae), Labcorp
Classification: Uncertain significance. Last evaluated: 2025-07-06. Review status: criteria provided, single submitter. Criteria: Invitae Variant Classification Sherloc (09022015). Collection method: clinical testing. Allele origin: germline.
Comment: This sequence change replaces histidine, which is basic and polar, with glutamine, which is neutral and polar, at codon 435 of the ZIC1 protein (p.His435Gln). This variant is not present in population databases (gnomAD no frequency). This variant has not been reported in the literature in individuals affected with ZIC1-related conditions. An algorithm developed to predict the effect of missense changes on protein structure and function (PolyPhen-2) suggests that this variant is likely to be tolerated. In summary, the available evidence is currently insufficient to determine the role of this variant in disease. Therefore, it has been classified as a Variant of Uncertain Significance.

NM_003412.4(ZIC1):c.1305C>A (p.His435Gln)

Gene: ZIC1 (Zic family zinc finger 1; plus strand). Cytogenetic location: 3q24.
Variant type: single nucleotide variant.
Coding change: c.1305C>A on transcript NM_003412.4 (MANE Select); coding-DNA position 1305, C replaced by A.
Protein change: p.His435Gln; replaces histidine 435 with glutamine.
Molecular consequence: missense variant.
Genome position (GRCh38, 1-based): chr3:147,413,512, C>A. VCF-style: chr3-147413512-C-A. GRCh37 (hg19) VCF-style: chr3-147131299-C-A.
Other names: short protein forms H435Q.
Identifiers: ClinVar variation 4719707 (VCV004719707.1).